The following is an entry in ClinVar:

ClinVar aggregate classification (germline): Uncertain significance (1 of 4 stars; one submission).

Conditions:
Inborn genetic diseases. Identifiers: MedGen C0950123, MeSH D030342.

Submission:

Ambry Genetics
Classification: Uncertain significance for Inborn genetic diseases. Last evaluated: 2025-01-25. Review status: criteria provided, single submitter. Criteria: Ambry Variant Classification Scheme 2023. Collection method: clinical testing. Allele origin: germline.
Comment: The p.H335Y variant (also known as c.1003C>T), located in coding exon 6 of the WT1 gene, results from a C to T substitution at nucleotide position 1003. The histidine at codon 335 is replaced by tyrosine, an amino acid with similar properties. This amino acid position is conserved. In addition, this alteration is predicted to be deleterious by in silico analysis. Based on the available evidence, the clinical significance of this variant remains unclear.

NM_024426.6(WT1):c.1018C>T (p.His340Tyr)

Gene: WT1 (WT1 transcription factor; minus strand). Cytogenetic location: 11p13.
Variant type: single nucleotide variant.
Coding change: c.1018C>T on transcript NM_024426.6 (MANE Select); coding-DNA position 1018, C replaced by T.
Protein change: p.His340Tyr; replaces histidine 340 with tyrosine.
Molecular consequence: missense variant. On other transcripts: 5 prime UTR variant (1), non-coding transcript variant (2), intron variant (1).
Genome position (GRCh38, 1-based): chr11:32,400,043, G>A on the plus strand (C>T on the coding strand, the complement: WT1 is on the minus strand). VCF-style: chr11-32400043-G-A. GRCh37 (hg19) VCF-style: chr11-32421589-G-A.
Other names: c.967C>T, p.His323Tyr (NM_000378.6, NM_001407045.1, NM_001407048.1 and 1 more transcripts); c.367C>T, p.His123Tyr (NM_001198551.2); c.316C>T, p.His106Tyr (NM_001198552.2); c.-171C>T (NM_001367854.1); c.1018C>T, p.His340Tyr (NM_001407046.1, NM_024424.5); c.895C>T, p.His299Tyr (NM_001407047.1); c.844C>T, p.His282Tyr (NM_001407050.1); c.256C>T, p.His86Tyr (NM_001407051.1); and 3 more; short protein forms H123Y, H250Y, H299Y, H282Y, H323Y, H340Y, H86Y, H335Y.
Identifiers: ClinVar variation 3817470 (VCV003817470.1).